The following is an entry in ClinVar:

NM_018026.4(PACS1):c.1471C>G (p.Gln491Glu)

Gene: PACS1 (phosphofurin acidic cluster sorting protein 1; plus strand). Cytogenetic location: 11q13.2.
Variant type: single nucleotide variant.
Coding change: c.1471C>G on transcript NM_018026.4 (MANE Select); coding-DNA position 1471, C replaced by G.
Protein change: p.Gln491Glu; replaces glutamine 491 with glutamic acid.
Molecular consequence: missense variant.
Genome position (GRCh38, 1-based): chr11:66,230,644, C>G. VCF-style: chr11-66230644-C-G. GRCh37 (hg19) VCF-style: chr11-65998115-C-G.
Other names: short protein forms Q491E.
Identifiers: ClinVar variation 2507332 (VCV002507332.1), dbSNP rs2495580773, ClinGen allele CA381366682.

ClinVar aggregate classification (germline): Uncertain significance (1 of 4 stars; one submission).

Submission:

GeneDx
Classification: Uncertain significance. Last evaluated: 2022-12-30. Review status: criteria provided, single submitter. Criteria: GeneDx Variant Classification Process June 2021. Collection method: clinical testing. Allele origin: germline. Affected: yes.
Comment: Not observed at significant frequency in large population cohorts (gnomAD); In silico analysis supports that this missense variant does not alter protein structure/function; Has not been previously published as pathogenic or benign to our knowledge